The following is an entry in ClinVar:

NM_182931.3(KMT2E):c.1047G>T (p.Leu349Phe)

Gene: KMT2E (lysine methyltransferase 2E (inactive); plus strand). Cytogenetic location: 7q22.3.
Variant type: single nucleotide variant.
Coding change: c.1047G>T on transcript NM_182931.3 (MANE Select); coding-DNA position 1047, G replaced by T.
Protein change: p.Leu349Phe; replaces leucine 349 with phenylalanine.
Molecular consequence: missense variant.
Genome position (GRCh38, 1-based): chr7:105,077,350, G>T. VCF-style: chr7-105077350-G-T. GRCh37 (hg19) VCF-style: chr7-104717797-G-T.
Other names: c.1047G>T, p.Leu349Phe (NM_001410908.1, NM_018682.4); short protein forms L349F.
Identifiers: ClinVar variation 5007122 (VCV005007122.2).

ClinVar aggregate classification (germline): Uncertain significance (1 of 4 stars; one submission).

Conditions:
O'Donnell-Luria-Rodan syndrome (ODLURO). Also called: KMT2E-Related Neurodevelopmental Disorder. Identifiers: MedGen C5193138, MONDO:0032793, OMIM 618512.

gnomAD v4.1: 1 of 1,609,686 alleles (0.000062%); highest among the groups gnomAD compares: East Asian, 0.0022%; no homozygotes.

Submission:

Juno Genomics, Hangzhou Juno Genomics, Inc
Classification: Uncertain significance for O'Donnell-Luria-Rodan syndrome. Review status: criteria provided, single submitter. Criteria: ACMG Guidelines, 2015. Collection method: clinical testing. Allele origin: germline.
Comment: Absent from controls (or at extremely low frequency if recessive) in Genome Aggregation Database.;Multiple lines of computational evidence support a deleterious effect on the gene or gene product.